The following is an entry in ClinVar:

NM_001267550.2(TTN):c.107965C>T (p.Arg35989Ter)

Genes: TTN-AS1 (TTN antisense RNA 1; plus strand), TTN (titin; minus strand). Cytogenetic location: 2q31.2.
Variant type: single nucleotide variant.
Coding change: c.107965C>T on transcript NM_001267550.2 (MANE Select); coding-DNA position 107965, C replaced by T.
Protein change: p.Arg35989Ter; replaces arginine 35989 with a stop codon.
Molecular consequence: nonsense.
Genome position (GRCh38, 1-based): chr2:178,527,023, G>A on the plus strand (C>T on the coding strand, the complement: TTN is on the minus strand). VCF-style: chr2-178527023-G-A. GRCh37 (hg19) VCF-style: chr2-179391750-G-A.
Other names: c.103042C>T, p.Arg34348Ter (NM_001256850.1); c.80770C>T, p.Arg26924Ter (NM_003319.4); c.100261C>T, p.Arg33421Ter (NM_133378.4); c.81145C>T, p.Arg27049Ter (NM_133432.3); c.81346C>T, p.Arg27116Ter (NM_133437.4); short protein forms R34348*, R35989*, R33421*, R27116*, R26924*, R27049*.
Identifiers: ClinVar variation 202530 (VCV000202530.12), dbSNP rs770506970, ClinGen allele CA309523.
Genomic context (GRCh38, chr2:178,527,023, plus strand): 5'-GTTTGCGAAAAGTTAAGAATGAGTGTAGAGTATAAGGGCACAGGCCCTCTTAAATGGATC[G>A]AATATGTATATTCACAGTGGCAGAGTCAGATCCAAATTCATTCCCTAAACTCAGGGTATA-3'

ClinVar aggregate classification (germline): Uncertain significance. Review status: criteria provided, multiple submitters, no conflicts (2 of 4 stars). 2 submissions from 2 submitters: Uncertain significance (2). Last evaluated 2025-12-14.

Conditions:
Dilated cardiomyopathy 1G (CMD1G). Identifiers: Orphanet 154, MedGen C1858763, MONDO:0011400, OMIM 604145.
Autosomal recessive limb-girdle muscular dystrophy type 2J (LGMDR10). Also called: MUSCULAR DYSTROPHY, LIMB-GIRDLE, AUTOSOMAL RECESSIVE 10; Limb-girdle muscular dystrophy, type 2J. Identifiers: Orphanet 140922, MedGen C1837342, MONDO:0012127, OMIM 608807.
Myopathy, myofibrillar, 9, with early respiratory failure (MFM9). Also called: EDSTROM MYOPATHY; MYOPATHY, PROXIMAL, WITH EARLY RESPIRATORY MUSCLE INVOLVEMENT; Myopathy, distal, with early respiratory failure, autosomal dominant; Hereditary myopathy with early respiratory failure. Identifiers: Orphanet 178464, Orphanet 34521, MedGen C1863599, MONDO:0011362, OMIM 603689.
Early-onset myopathy with fatal cardiomyopathy (CMYO5). Also called: CONGENITAL MYOPATHY 5 WITH CARDIOMYOPATHY; Salih Myopathy. Identifiers: Orphanet 289377, MedGen C2673677, MONDO:0012714, OMIM 611705. Disease mechanism: loss of function.
Hypertrophic cardiomyopathy 9. Also called: Familial hypertrophic cardiomyopathy 9. Identifiers: MedGen C1861065, MONDO:0013412, OMIM 613765.
Tibial muscular dystrophy (TMD). Also called: UDD MYOPATHY; Tibial muscular dystrophy, tardive; Udd Distal Myopathy – Tibial Muscular Dystrophy. Identifiers: Orphanet 609, MedGen C1838244, MONDO:0010870, OMIM 600334.

Allele frequency attached by ClinVar (database versions not stated): ExAC 0.00001; TOPMed 0.00002.
gnomAD v4.1: 7 of 1,612,118 alleles (0.00043%); highest among the groups gnomAD compares: Admixed American, 0.0067%; no homozygotes.

Submissions (2):

Labcorp Genetics (formerly Invitae), Labcorp
Classification: Uncertain significance for Dilated cardiomyopathy 1G; Autosomal recessive limb-girdle muscular dystrophy type 2J. Last evaluated: 2025-12-14. Review status: criteria provided, single submitter. Criteria: Invitae Variant Classification Sherloc (09022015). Collection method: clinical testing. Allele origin: germline.
Comment: This sequence change creates a premature translational stop signal (p.Arg35989*) in the TTN gene. While this is not anticipated to result in nonsense mediated decay, it is expected to create a truncated TTN protein. This variant is present in population databases (rs770506970, gnomAD 0.003%). This variant has not been reported in the literature in individuals affected with TTN-related conditions. ClinVar contains an entry for this variant (Variation ID: 202530). This variant is located in the M band of TTN (PMID: 25589632). Truncating variants in this region have been previously reported in individuals affected with autosomal dominant or autosomal recessive myopathy and muscular dystrophy (PMID: 18948003, 23975875, 24395473). Truncating variants in this region have also been identified in individuals affected with autosomal dominant dilated cardiomyopathy and/or cardio-related conditions (PMID: 27869827, 32964742, internal data). In summary, the available evidence is currently insufficient to determine the role of this variant in disease. Therefore, it has been classified as a Variant of Uncertain Significance.

Fulgent Genetics
Classification: Uncertain significance for Tibial muscular dystrophy; Myopathy, myofibrillar, 9, with early respiratory failure; Dilated cardiomyopathy 1G; Autosomal recessive limb-girdle muscular dystrophy type 2J; Early-onset myopathy with fatal cardiomyopathy; Hypertrophic cardiomyopathy 9. Last evaluated: 2021-09-16. Review status: criteria provided, single submitter. Criteria: ACMG Guidelines, 2015. Collection method: clinical testing. Allele origin: unknown.

Literature cited by the submitters: PubMed 25589632 (cited by Labcorp Genetics (formerly Invitae), Labcorp); PubMed 18948003 (cited by Labcorp Genetics (formerly Invitae), Labcorp); PubMed 23975875 (cited by Labcorp Genetics (formerly Invitae), Labcorp); PubMed 24395473 (cited by Labcorp Genetics (formerly Invitae), Labcorp); PubMed 27869827 (cited by Labcorp Genetics (formerly Invitae), Labcorp); PubMed 32964742 (cited by Labcorp Genetics (formerly Invitae), Labcorp).